The following is an entry in ClinVar:

ClinVar aggregate classification (germline): Benign. Review status: criteria provided, multiple submitters, no conflicts (2 of 4 stars). 3 submissions from 3 submitters: Benign (3). Last evaluated 2024-07-15.

Allele frequency attached by ClinVar (database versions not stated): 1000 Genomes Project 30x 0.12742; 1000 Genomes Project 0.13219; TOPMed 0.16208; gnomAD 0.17531 and 0.17652; gnomAD exomes 0.22104.
gnomAD v4.1: 347,076 of 1,603,536 alleles (22%); highest among the groups gnomAD compares: Non-Finnish European, 23%; 39,770 homozygotes.

Submissions (3):

Unidad de Genómica Garrahan, Hospital de Pediatría Garrahan
Classification: Benign. Last evaluated: 2024-07-15. Review status: criteria provided, single submitter. Criteria: ACMG Guidelines, 2015. Collection method: clinical testing. Allele origin: germline. Affected: no. Observed: 28 variant alleles.
Comment: This variant is classified as Benign based on local population frequency. This variant was detected in 30% of patients studied in a panel designed for Epileptic and Developmental Encephalopathy and Progressive Myoclonus Epilepsy. Number of patients: 28. Only high quality variants are reported.

GeneDx
Classification: Benign. Last evaluated: 2018-06-23. Review status: criteria provided, single submitter. Criteria: GeneDx Variant Classification Process June 2021. Collection method: clinical testing. Allele origin: germline. Affected: yes.

Breakthrough Genomics
Classification: Benign. Review status: criteria provided, single submitter. Criteria: ACMG Guidelines, 2015. Collection method: not provided. Allele origin: germline. Inheritance: Autosomal dominant inheritance. Affected: yes.

NM_022489.4(INF2):c.668-78T>G

Gene: INF2 (inverted formin 2; plus strand). Cytogenetic location: 14q32.33.
Variant type: single nucleotide variant.
Coding change: c.668-78T>G on transcript NM_022489.4 (MANE Select); 78 bases into the intron before coding-DNA position 668, T replaced by G.
Molecular consequence: intron variant.
Genome position (GRCh38, 1-based): chr14:104,703,838, T>G. VCF-style: chr14-104703838-T-G. GRCh37 (hg19) VCF-style: chr14-105170175-T-G.
Other names: c.668-78T>G (NM_001031714.4, NM_032714.3).
Identifiers: ClinVar variation 1177957 (VCV001177957.5), dbSNP rs7146817, ClinGen allele CA13972626.